The following is an entry in ClinVar:

ClinVar aggregate classification (germline): Uncertain significance. Review status: criteria provided, multiple submitters, no conflicts (2 of 4 stars). 2 submissions from 2 submitters: Uncertain significance (2). Last evaluated 2025-07-09.

Conditions:
Hereditary cancer-predisposing syndrome. Also called: Hereditary neoplastic syndrome; Neoplastic Syndromes, Hereditary; Tumor predisposition; Hereditary Cancer Syndrome. Identifiers: Orphanet 140162, MedGen C0027672, MeSH D009386, MONDO:0015356.
Neuroblastoma, susceptibility to, 3. Also called: ALK-Related Neuroblastic Tumor Susceptibility. Identifiers: Orphanet 635, MedGen C2751681, MONDO:0013083, OMIM 613014.

Allele frequency attached by ClinVar (database versions not stated): gnomAD exomes below 0.00001; TOPMed below 0.00001; gnomAD 0.00001.
gnomAD v4.1: 8 of 1,614,118 alleles (0.0005%); highest among the groups gnomAD compares: Non-Finnish European, 0.00059%; no homozygotes.

Submissions (2):

Ambry Genetics
Classification: Uncertain significance for Hereditary cancer-predisposing syndrome. Last evaluated: 2025-07-09. Review status: criteria provided, single submitter. Criteria: Ambry Variant Classification Scheme 2023. Collection method: clinical testing. Allele origin: germline.
Comment: The p.I1005T variant (also known as c.3014T>C), located in coding exon 18 of the ALK gene, results from a T to C substitution at nucleotide position 3014. The isoleucine at codon 1005 is replaced by threonine, an amino acid with similar properties. This amino acid position is conserved. In addition, the in silico prediction for this alteration is inconclusive. Since supporting evidence is limited at this time, the clinical significance of this alteration remains unclear.

Labcorp Genetics (formerly Invitae), Labcorp
Classification: Uncertain significance for Neuroblastoma, susceptibility to, 3. Last evaluated: 2025-05-19. Review status: criteria provided, single submitter. Criteria: Invitae Variant Classification Sherloc (09022015). Collection method: clinical testing. Allele origin: germline.
Comment: This sequence change replaces isoleucine, which is neutral and non-polar, with threonine, which is neutral and polar, at codon 1005 of the ALK protein (p.Ile1005Thr). This variant is not present in population databases (gnomAD no frequency). This variant has not been reported in the literature in individuals affected with ALK-related conditions. ClinVar contains an entry for this variant (Variation ID: 1041118). An algorithm developed to predict the effect of missense changes on protein structure and function (PolyPhen-2) suggests that this variant is likely to be tolerated. In summary, the available evidence is currently insufficient to determine the role of this variant in disease. Therefore, it has been classified as a Variant of Uncertain Significance.

NM_004304.5(ALK):c.3014T>C (p.Ile1005Thr)

Gene: ALK (ALK receptor tyrosine kinase; minus strand). Cytogenetic location: 2p23.2.
Variant type: single nucleotide variant.
Coding change: c.3014T>C on transcript NM_004304.5 (MANE Select); coding-DNA position 3014, T replaced by C.
Protein change: p.Ile1005Thr; replaces isoleucine 1005 with threonine.
Molecular consequence: missense variant.
Genome position (GRCh38, 1-based): chr2:29,226,975, A>G on the plus strand (T>C on the coding strand, the complement: ALK is on the minus strand). VCF-style: chr2-29226975-A-G. GRCh37 (hg19) VCF-style: chr2-29449841-A-G.
Other names: c.3014T>C (NM_004304.4); short protein forms I1005T.
Identifiers: ClinVar variation 1041118 (VCV001041118.9), dbSNP rs1452461214, ClinGen allele CA346467638.
Genomic context (GRCh38, chr2:29,226,975, plus strand): 5'-CCCTTACCAATGCAGGAGACGCCATCCTCAGCCAGCACCGTCCCGTGGTCACAGAAGCAG[A>G]TGACCTTGTGGCTTTCAGGGTCCATGTGACATTCGTCTACCTCACAGTGACTGCAGTTTA-3'
Protein context (NP_004295.2, residues 995-1015): CHMDPESHKV[Ile1005Thr]CFCDHGTVLA